The following is an entry in ClinVar:

ClinVar aggregate classification (germline): Conflicting classifications of pathogenicity. Review status: criteria provided, conflicting classifications (1 of 4 stars). 9 submissions from 8 submitters: Pathogenic (3); Likely pathogenic (5); Uncertain significance (1). Last evaluated 2026-08-14.

Conditions:
Autosomal dominant Alport syndrome (ATS3A). Also called: Alport syndrome dominant type; Renal failure and sensorineural hearing loss; ALPORT SYNDROME 3A, AUTOSOMAL DOMINANT. Identifiers: Orphanet 63, Orphanet 88918, MedGen C5882663, MONDO:0007086, OMIM 104200.
Hematuria, benign familial, 2 (BFH2). Identifiers: MedGen C5830421, MONDO:0958186, OMIM 620320.
Alport syndrome 3b, autosomal recessive. Identifiers: MedGen C5882699, MONDO:0957811, OMIM 620536.
COL4A3-related disorder. Also called: COL4A3-Related Disorders; COL4A3-related condition.
Autosomal recessive Alport syndrome (ATS2). Also called: COL4A4 Alport Syndrome and Thin Basement Membrane Nephropathy; Alport syndrome type 2; COL4A3-Related Nephropathy; ALPORT SYNDROME 2, AUTOSOMAL RECESSIVE. Identifiers: Orphanet 63, Orphanet 88919, MedGen C4746745, MONDO:0008762, OMIM 203780.
Benign familial hematuria. Also called: thin basement membrane disease. Identifiers: MedGen C0241908, MONDO:0957317.
Alport syndrome. Also called: Hemorrhagic familial nephritis; Hemorrhagic hereditary nephritis; Congenital hereditary hematuria. Identifiers: Orphanet 63, MedGen C1567741, MONDO:0018965.

Allele frequency attached by ClinVar (database versions not stated): gnomAD exomes 0.00001 and 0.00002; ExAC 0.00002.

Submissions (9):

PreventionGenetics, part of Exact Sciences
Classification: Pathogenic for COL4A3-related condition. Last evaluated: 2026-08-14. Review status: criteria provided, single submitter. Criteria: ACMG Guidelines, 2015. Collection method: clinical testing. Allele origin: germline.
Comment: The COL4A3 c.1372G>C variant is predicted to result in the amino acid substitution p.Gly458Arg. The p.Gly458Arg variant affects a Gly residue of the conserved triple helical domain, where substitutions of the glycine are usually pathogenic (Hudson et al. 1993. PubMed ID: 8253711). This variant has been reported in a patient tested using a panel for chronic renal disease (Bleyer et al., 2022. PubMed ID: 35325889, Table S3). At PreventionGenetics, we have observed this variant in heterozygous state in absence of second COL4A3 variant in other unrelated individuals with features of COL4A3-related disorders (internal data). This variant is reported in 0.017% of alleles in individuals of Latino descent in gnomAD. This variant is interpreted as pathogenic.

GeneDx
Classification: Uncertain significance. Last evaluated: 2026-04-26. Review status: criteria provided, single submitter. Criteria: GeneDx Variant Classification Process June 2021. Collection method: clinical testing. Allele origin: germline.
Comment: In silico analysis supports that this missense variant has a deleterious effect on protein structure/function; Affects a glycine residue in a Gly-X-Y motif in the triple helical region of the COL4A3 gene; This variant is associated with the following publications: (PMID: 35325889)

Natera, Inc.
Classification: Likely pathogenic for Alport syndrome. Last evaluated: 2025-12-03. Review status: criteria provided, single submitter. Criteria: Natera Variant Classification Schema (03/2026). Collection method: clinical testing. Allele origin: germline.
Comment: The c.1372G>C variant in COL4A3 is a missense variant predicted to cause substitution of glycine to arginine at amino acid 458. This variant is rare in the general population with a frequency below the threshold expected for the associated phenotype(s). This variant is located in a functionally critical region of the protein. Computational prediction algorithms indicate this variant is likely to affect gene or protein function. Given the available evidence, this variant is classified as Likely Pathogenic.

Labcorp Genetics (formerly Invitae), Labcorp
Classification: Pathogenic. Last evaluated: 2025-07-02. Review status: criteria provided, single submitter. Criteria: Invitae Variant Classification Sherloc (09022015). Collection method: clinical testing. Allele origin: germline.
Comment: This sequence change replaces glycine, which is neutral and non-polar, with arginine, which is basic and polar, at codon 458 of the COL4A3 protein (p.Gly458Arg). This variant is present in population databases (rs757341933, gnomAD 0.02%). This missense change has been observed in individuals with clinical features of autosomal dominant Alport syndrome (internal data). It has also been observed to segregate with disease in related individuals. ClinVar contains an entry for this variant (Variation ID: 447166). Invitae Evidence Modeling of protein sequence and biophysical properties (such as structural, functional, and spatial information, amino acid conservation, physicochemical variation, residue mobility, and thermodynamic stability) has been performed for this missense variant. However, the output from this modeling did not meet the statistical confidence thresholds required to predict the impact of this variant on COL4A3 protein function. This variant disrupts the p.Gly458 amino acid residue in COL4A3. Other variant(s) that disrupt this residue have been observed in individuals with COL4A3-related conditions (internal data), which suggests that this may be a clinically significant amino acid residue. For these reasons, this variant has been classified as Pathogenic.

Myriad Genetics, Inc.
Classification: Pathogenic for Alport syndrome. Last evaluated: 2025-03-27. Review status: criteria provided, single submitter. Criteria: Myriad Autosomal Dominant, Autosomal Recessive and X-Linked Classification Criteria (2023). Collection method: clinical testing. Allele origin: unknown.
Comment: NM_000091.4(COL4A3):c.1372G>C(G458R) is a missense variant classified as pathogenic in the context of Alport syndrome, COL4A3-related. G458R has been observed in a case with relevant disease (PMID: Amari_2021_(abstract)). Relevant functional assessments of this variant are not available in the literature. Internal structural analysis of the variant is supportive of pathogenicity. G458R has been observed in referenced population frequency databases. In summary, NM_000091.4(COL4A3):c.1372G>C(G458R) is a missense variant that has internal structural support for pathogenicity and has been observed more frequently in cases with the relevant disease than in healthy populations. Please note: this variant was assessed in the context of healthy population screening.

3billion
Classification: Likely pathogenic for Alport syndrome 3b, autosomal recessive. Last evaluated: 2025-02-06. Review status: criteria provided, single submitter. Criteria: ACMG Guidelines, 2015. Collection method: clinical testing. Allele origin: germline. Affected: yes.
Comment: The variant is observed at an extremely low frequency in the gnomAD v4.1.0 dataset (total allele frequency: <0.001%). Predicted Consequence/Location: Missense variant In silico tool predictions suggest damaging effect of the variant on gene or gene product [REVEL: 0.88 (>=0.6, sensitivity 0.68 and specificity 0.92); 3Cnet: 0.88 (>=0.6, sensitivity 0.72 and precision 0.9)]. The same nucleotide change resulting in the same amino acid change has been previously reported as pathogenic/likely pathogenic with strong evidence (ClinVar ID: VCV000447166). Different missense changes at the same codon (p.Gly458Glu, p.Gly458Val) have been reported as pathogenic/likely pathogenic with strong evidence (ClinVar ID: VCV001068322, VCV003236081). Therefore, this variant is classified as Likely pathogenic according to the recommendation of ACMG/AMP guideline.

Fulgent Genetics
Classification: Likely pathogenic for Autosomal dominant Alport syndrome; Hematuria, benign familial, 2; Alport syndrome 3b, autosomal recessive. Last evaluated: 2024-01-24. Review status: criteria provided, single submitter. Criteria: ACMG Guidelines, 2015. Collection method: clinical testing. Allele origin: germline.

Athena Diagnostics
Classification: Likely pathogenic. Last evaluated: 2020-02-10. Review status: criteria provided, single submitter. Criteria: Athena Diagnostics Criteria. Collection method: clinical testing. Allele origin: unknown.
Comment: The variant disrupts a glycine residue in the canonical Gly-X-Y repeats of the triple helix domain, which are required for stability and structure of this protein. Therefore it is expected to severely affect the function of the protein. The frequency of this variant in the general population is consistent with pathogenicity.

Fulgent Genetics
Classification: Likely pathogenic for Autosomal dominant Alport syndrome; Hematuria, benign familial, 1; Autosomal recessive Alport syndrome. Last evaluated: 2018-10-31. Review status: criteria provided, single submitter. Criteria: ACMG Guidelines, 2015. Collection method: clinical testing. Allele origin: unknown.

NM_000091.5(COL4A3):c.1372G>C (p.Gly458Arg)

Genes: COL4A3 (collagen type IV alpha 3 chain; plus strand), MFF-DT (MFF divergent transcript; minus strand). Cytogenetic location: 2q36.3.
Variant type: single nucleotide variant.
Coding change: c.1372G>C on transcript NM_000091.5 (MANE Select); coding-DNA position 1372, G replaced by C.
Protein change: p.Gly458Arg; replaces glycine 458 with arginine.
Molecular consequence: missense variant.
Genome position (GRCh38, 1-based): chr2:227,266,473, G>C. VCF-style: chr2-227266473-G-C. GRCh37 (hg19) VCF-style: chr2-228131189-G-C.
Other names: short protein forms G458R.
Identifiers: ClinVar variation 447166 (VCV000447166.18), dbSNP rs757341933, ClinGen allele CA2146631.
Genomic context (GRCh38, chr2:227,266,473, plus strand): 5'-ATAGGTGACATCGTTTTTCGCAAGGGTCCACCTGGAGATCACGGACTGCCAGGCTATCTA[G>C]GGTCTCCAGGAATCCCAGGAGTTGATGGGCCCAAAGGTTGGTTCAATCAATAATGTTGTA-3'
Protein context (NP_000082.2, residues 448-468): PGDHGLPGYL[Gly458Arg]SPGIPGVDGP